The following is an entry in ClinVar:

NM_000077.5(CDKN2A):c.150+20C>T

Gene: CDKN2A (cyclin dependent kinase inhibitor 2A; minus strand). Cytogenetic location: 9p21.3.
Variant type: single nucleotide variant.
Coding change: c.150+20C>T on transcript NM_000077.5 (MANE Select); 20 bases into the intron after coding-DNA position 150, C replaced by T.
Molecular consequence: intron variant. On other transcripts: missense variant (1).
Genome position (GRCh38, 1-based): chr9:21,974,658, G>A on the plus strand (C>T on the coding strand, the complement: CDKN2A is on the minus strand). VCF-style: chr9-21974658-G-A. GRCh37 (hg19) VCF-style: chr9-21974657-G-A.
Other names: c.170C>T, p.Ala57Val (NM_058197.5); c.-3-3450C>T (NM_001363763.2); c.194-3450C>T (NM_058195.4); c.150+20C>T (NM_001195132.2); short protein forms A57V.
Identifiers: ClinVar variation 133884 (VCV000133884.13), dbSNP rs550846229, ClinGen allele CA158084.

ClinVar aggregate classification (germline): Benign/Likely benign. Review status: criteria provided, multiple submitters, no conflicts (2 of 4 stars). 5 submissions from 5 submitters: Benign (1); Likely benign (2). 2 of the submissions do not count toward it. Last evaluated 2025-12-31.

Conditions:
Familial melanoma. Also called: Hereditary melanoma; Hereditary cutaneous melanoma. Identifiers: Orphanet 618, MedGen C1512419, MONDO:0018961.
Hereditary cancer-predisposing syndrome. Also called: Neoplastic Syndromes, Hereditary; Hereditary Cancer Syndrome; Tumor predisposition; Hereditary neoplastic syndrome. Identifiers: Orphanet 140162, MedGen C0027672, MeSH D009386, MONDO:0015356.
Melanoma-pancreatic cancer syndrome. Identifiers: Orphanet 404560, MedGen C1838547, MONDO:0011713, OMIM 606719. Disease mechanism: loss of function.

Allele frequency attached by ClinVar (database versions not stated): gnomAD 0.00003 and 0.00002; TOPMed 0.00001; gnomAD exomes 0.00005; ExAC 0.00007.
gnomAD v4.1: 68 of 1,613,950 alleles (0.0042%); highest among the groups gnomAD compares: South Asian, 0.038%; 2 homozygotes.

Submissions (5):

Labcorp Genetics (formerly Invitae), Labcorp
Classification: Likely benign for Familial melanoma. Last evaluated: 2025-12-31. Review status: criteria provided, single submitter. Criteria: Invitae Variant Classification Sherloc (09022015). Collection method: clinical testing. Allele origin: germline.

Myriad Genetics, Inc.
Classification: Benign for Melanoma-pancreatic cancer syndrome. Last evaluated: 2023-06-15. Review status: criteria provided, single submitter. Criteria: Myriad Autosomal Dominant, Autosomal Recessive and X-Linked Classification Criteria (2023). Collection method: clinical testing. Allele origin: unknown.
Comment: This variant is considered benign. This variant is intronic and is not expected to impact mRNA splicing.

Color Diagnostics, LLC DBA Color Health
Classification: Likely benign for Hereditary cancer-predisposing syndrome. Last evaluated: 2017-09-08. Review status: criteria provided, single submitter. Criteria: ACMG Guidelines, 2015. Collection method: clinical testing. Allele origin: germline.

Counsyl
Classification: Likely benign for Melanoma-pancreatic cancer syndrome. Last evaluated: 2017-12-08. Review status: no assertion criteria provided. Collection method: clinical testing. Allele origin: unknown. Not counted in ClinVar's aggregate classification.

ITMI
No classification provided. Condition: AllHighlyPenetrant. Last evaluated: 2013-09-19. Review status: no classification provided. Collection method: reference population. Allele origin: germline. Not counted in ClinVar's aggregate classification.
Comment: Please see associated publication for description of ethnicities

Literature cited by the submitters: PubMed 24728327 (cited by Counsyl and ITMI).